The following is an entry in ClinVar:

ClinVar aggregate classification (germline): Uncertain significance (1 of 4 stars; one submission).

Allele frequency attached by ClinVar (database versions not stated): ExAC 0.00001; gnomAD exomes 0.00003.
gnomAD v4.1: 26 of 1,613,398 alleles (0.0016%); highest among the groups gnomAD compares: Non-Finnish European, 0.0022%; no homozygotes.

Submission:

Ambry Genetics
Classification: Uncertain significance. Last evaluated: 2023-09-15. Review status: criteria provided, single submitter. Criteria: Ambry Variant Classification Scheme 2023. Collection method: clinical testing. Allele origin: germline.
Comment: The p.S2130T variant (also known as c.6388T>A), located in coding exon 20 of the POLQ gene, results from a T to A substitution at nucleotide position 6388. The serine at codon 2130 is replaced by threonine, an amino acid with similar properties. This amino acid position is conserved. In addition, this alteration is predicted to be tolerated by in silico analysis. Since supporting evidence is limited at this time, the clinical significance of this alteration remains unclear.

NM_199420.4(POLQ):c.6388T>A (p.Ser2130Thr)

Gene: POLQ (DNA polymerase theta; minus strand). Cytogenetic location: 3q13.33.
Variant type: single nucleotide variant.
Coding change: c.6388T>A on transcript NM_199420.4 (MANE Select); coding-DNA position 6388, T replaced by A.
Protein change: p.Ser2130Thr; replaces serine 2130 with threonine.
Molecular consequence: missense variant.
Genome position (GRCh38, 1-based): chr3:121,476,557, A>T on the plus strand (T>A on the coding strand, the complement: POLQ is on the minus strand). VCF-style: chr3-121476557-A-T. GRCh37 (hg19) VCF-style: chr3-121195404-A-T.
Other names: short protein forms S2130T.
Identifiers: ClinVar variation 3230102 (VCV003230102.1), dbSNP rs760829013, ClinGen allele CA2562498.